The following is an entry in ClinVar:

NM_004608.4(TBX6):c.1098G>A (p.Arg366=)

Gene: TBX6 (T-box transcription factor 6; minus strand). Cytogenetic location: 16p11.2.
Variant type: single nucleotide variant.
Coding change: c.1098G>A on transcript NM_004608.4 (MANE Select); coding-DNA position 1098, G replaced by A.
Protein change: p.Arg366=; no amino-acid change (arginine 366 retained).
Molecular consequence: synonymous variant.
Genome position (GRCh38, 1-based): chr16:30,086,438, C>T on the plus strand (G>A on the coding strand, the complement: TBX6 is on the minus strand). VCF-style: chr16-30086438-C-T. GRCh37 (hg19) VCF-style: chr16-30097759-C-T.
Identifiers: ClinVar variation 2960855 (VCV002960855.3), dbSNP rs745708073, ClinGen allele CA8001675.

ClinVar aggregate classification (germline): Uncertain significance (1 of 4 stars; one submission).

Allele frequency attached by ClinVar (database versions not stated): TOPMed below 0.00001; gnomAD 0.00002; ExAC 0.00027.
gnomAD v4.1: 85 of 1,510,630 alleles (0.0056%); highest among the groups gnomAD compares: South Asian, 0.1%; no homozygotes.

Submission:

Labcorp Genetics (formerly Invitae), Labcorp
Classification: Uncertain significance. Last evaluated: 2024-03-24. Review status: criteria provided, single submitter. Criteria: Invitae Variant Classification Sherloc (09022015). Collection method: clinical testing. Allele origin: germline.
Comment: This sequence change affects codon 366 of the TBX6 mRNA. It is a 'silent' change, meaning that it does not change the encoded amino acid sequence of the TBX6 protein. It affects a nucleotide within the consensus splice site. This variant is present in population databases (rs745708073, gnomAD 0.06%), and has an allele count higher than expected for a pathogenic variant. This variant has not been reported in the literature in individuals affected with TBX6-related conditions. Algorithms developed to predict the effect of sequence changes on RNA splicing suggest that this variant may disrupt the consensus splice site. In summary, the available evidence is currently insufficient to determine the role of this variant in disease. Therefore, it has been classified as a Variant of Uncertain Significance.